The following is an entry in ClinVar:

NM_005477.3(HCN4):c.305C>T (p.Ser102Leu)

Gene: HCN4 (hyperpolarization activated cyclic nucleotide gated potassium channel 4; minus strand). Cytogenetic location: 15q24.1.
Variant type: single nucleotide variant.
Coding change: c.305C>T on transcript NM_005477.3 (MANE Select); coding-DNA position 305, C replaced by T.
Protein change: p.Ser102Leu; replaces serine 102 with leucine.
Molecular consequence: missense variant.
Genome position (GRCh38, 1-based): chr15:73,367,966, G>A on the plus strand (C>T on the coding strand, the complement: HCN4 is on the minus strand). VCF-style: chr15-73367966-G-A. GRCh37 (hg19) VCF-style: chr15-73660307-G-A.
Other names: short protein forms S102L.
Identifiers: ClinVar variation 4269236 (VCV004269236.2).

ClinVar aggregate classification (germline): Uncertain significance. Review status: criteria provided, multiple submitters, no conflicts (2 of 4 stars). 2 submissions from 2 submitters: Uncertain significance (2). Last evaluated 2026-01-28.

Conditions:
Cardiovascular phenotype. Identifiers: MedGen CN230736.
Brugada syndrome 8 (BRGDA8). Identifiers: Orphanet 130, MedGen C2751083, MONDO:0013148, OMIM 613123.

gnomAD v4.1: 3 of 1,347,754 alleles (0.00022%); highest among the groups gnomAD compares: African/African-American, 0.0015%; no homozygotes.

Submissions (2):

Labcorp Genetics (formerly Invitae), Labcorp
Classification: Uncertain significance for Brugada syndrome 8. Last evaluated: 2026-01-28. Review status: criteria provided, single submitter. Criteria: Invitae Variant Classification Sherloc (09022015). Collection method: clinical testing. Allele origin: germline.
Comment: This sequence change replaces serine, which is neutral and polar, with leucine, which is neutral and non-polar, at codon 102 of the HCN4 protein (p.Ser102Leu). This variant is not present in population databases (gnomAD no frequency). This variant has not been reported in the literature in individuals affected with HCN4-related conditions. ClinVar contains an entry for this variant (Variation ID: 4269236). Invitae Evidence Modeling of protein sequence and biophysical properties (such as structural, functional, and spatial information, amino acid conservation, physicochemical variation, residue mobility, and thermodynamic stability) has been performed for this missense variant. However, the output from this modeling did not meet the statistical confidence thresholds required to predict the impact of this variant on HCN4 protein function. In summary, the available evidence is currently insufficient to determine the role of this variant in disease. Therefore, it has been classified as a Variant of Uncertain Significance.

Ambry Genetics
Classification: Uncertain significance for Cardiovascular phenotype. Last evaluated: 2025-09-07. Review status: criteria provided, single submitter. Criteria: Ambry Variant Classification Scheme 2023. Collection method: clinical testing. Allele origin: germline.
Comment: The p.S102L variant (also known as c.305C>T), located in coding exon 1 of the HCN4 gene, results from a C to T substitution at nucleotide position 305. The serine at codon 102 is replaced by leucine, an amino acid with dissimilar properties. This amino acid position is conserved. In addition, the in silico prediction for this alteration is inconclusive. Based on the available evidence, the clinical significance of this variant remains unclear.